The following is an entry in ClinVar:

NM_001184.4(ATR):c.2966G>T (p.Arg989Leu)

Gene: ATR (ATR checkpoint kinase; minus strand). Cytogenetic location: 3q23.
Variant type: single nucleotide variant.
Coding change: c.2966G>T on transcript NM_001184.4 (MANE Select); coding-DNA position 2966, G replaced by T.
Protein change: p.Arg989Leu; replaces arginine 989 with leucine.
Molecular consequence: missense variant.
Genome position (GRCh38, 1-based): chr3:142,550,142, C>A on the plus strand (G>T on the coding strand, the complement: ATR is on the minus strand). VCF-style: chr3-142550142-C-A. GRCh37 (hg19) VCF-style: chr3-142268984-C-A.
Other names: c.2774G>T, p.Arg925Leu (NM_001354579.2); short protein forms R989L, R925L.
Identifiers: ClinVar variation 1798223 (VCV001798223.7), dbSNP rs558627427, ClinGen allele CA354812636.

ClinVar aggregate classification (germline): Uncertain significance. Review status: criteria provided, multiple submitters, no conflicts (2 of 4 stars). 2 submissions from 2 submitters: Uncertain significance (2). Last evaluated 2022-07-07.

Conditions:
Inborn genetic diseases. Identifiers: MedGen C0950123, MeSH D030342.

gnomAD v4.1: 2 of 1,614,012 alleles (0.00012%); highest among the groups gnomAD compares: Non-Finnish European, 0.00017%; no homozygotes.

Submissions (2):

Labcorp Genetics (formerly Invitae), Labcorp
Classification: Uncertain significance. Last evaluated: 2022-07-07. Review status: criteria provided, single submitter. Criteria: Invitae Variant Classification Sherloc (09022015). Collection method: clinical testing. Allele origin: germline.
Comment: This sequence change replaces arginine, which is basic and polar, with leucine, which is neutral and non-polar, at codon 989 of the ATR protein (p.Arg989Leu). This variant is not present in population databases (gnomAD no frequency). This variant has not been reported in the literature in individuals affected with ATR-related conditions. Algorithms developed to predict the effect of missense changes on protein structure and function output the following: SIFT: "Deleterious"; PolyPhen-2: "Benign"; Align-GVGD: "Class C0". The leucine amino acid residue is found in multiple mammalian species, which suggests that this missense change does not adversely affect protein function. In summary, the available evidence is currently insufficient to determine the role of this variant in disease. Therefore, it has been classified as a Variant of Uncertain Significance.

Ambry Genetics
Classification: Uncertain significance for Inborn genetic diseases. Last evaluated: 2022-05-19. Review status: criteria provided, single submitter. Criteria: Ambry Variant Classification Scheme 2023. Collection method: clinical testing. Allele origin: germline.
Comment: The p.R989L variant (also known as c.2966G>T), located in coding exon 14 of the ATR gene, results from a G to T substitution at nucleotide position 2966. The arginine at codon 989 is replaced by leucine, an amino acid with dissimilar properties. This amino acid position is conserved. In addition, this alteration is predicted to be tolerated by in silico analysis. Since supporting evidence is limited at this time, the clinical significance of this alteration remains unclear.